The following is an entry in ClinVar:

ClinVar aggregate classification (germline): Uncertain significance. Review status: criteria provided, multiple submitters, no conflicts (2 of 4 stars). 4 submissions from 4 submitters: Uncertain significance (4). Last evaluated 2025-06-26.

Conditions:
Arrhythmogenic cardiomyopathy with wooly hair and keratoderma. Also called: Arrhythmogenic cardiomyopathy with woolly hair and keratoderma; Carvajal syndrome; PALMOPLANTAR KERATODERMA WITH LEFT VENTRICULAR CARDIOMYOPATHY AND WOOLLY HAIR; Dilated cardiomyopathy with woolly hair and keratoderma. Identifiers: Orphanet 65282, MedGen C1854063, MONDO:0011581, OMIM 605676.
Cardiovascular phenotype. Identifiers: MedGen CN230736.
Arrhythmogenic right ventricular dysplasia 8 (ARVD8). Also called: Arrhythmogenic Right Ventricular Dysplasia/Cardiomyopathy 8; ARRHYTHMOGENIC RIGHT VENTRICULAR DYSPLASIA, FAMILIAL, 8; ARRHYTHMOGENIC RIGHT VENTRICULAR CARDIOMYOPATHY 8. Identifiers: MedGen C1843896, MONDO:0011831, OMIM 607450.
Cardiomyopathy (CMYO). Also called: Cardiomyopathies. Identifiers: Orphanet 167848, MedGen C0878544, MONDO:0004994, HP:0001638. Inheritance: Various modes of inheritance.

Allele frequency attached by ClinVar (database versions not stated): TOPMed below 0.00001; ExAC 0.00001; gnomAD 0.00001.
gnomAD v4.1: 32 of 1,613,916 alleles (0.002%); highest among the groups gnomAD compares: Non-Finnish European, 0.0026%; no homozygotes.

Submissions (4):

Ambry Genetics
Classification: Uncertain significance for Cardiovascular phenotype. Last evaluated: 2025-06-26. Review status: criteria provided, single submitter. Criteria: Ambry Variant Classification Scheme 2023. Collection method: clinical testing. Allele origin: germline.
Comment: The p.P460A variant (also known as c.1378C>G), located in coding exon 11 of the DSP gene, results from a C to G substitution at nucleotide position 1378. The proline at codon 460 is replaced by alanine, an amino acid with highly similar properties. This amino acid position is well conserved in available vertebrate species. In addition, the in silico prediction for this alteration is inconclusive. Based on the available evidence, the clinical significance of this variant remains unclear. Based on the available evidence, the clinical significance of this variant remains unclear.

All of Us Research Program, National Institutes of Health
Classification: Uncertain significance for Arrhythmogenic cardiomyopathy with wooly hair and keratoderma. Last evaluated: 2024-09-23. Review status: criteria provided, single submitter. Criteria: ACMG Guidelines, 2015. Collection method: clinical testing. Allele origin: germline. Inheritance: Autosomal dominant inheritance. Observed: 2 variant alleles, 2 heterozygotes.
Comment: This study involves interpretation of variants in research participants for the purpose of population health screening. Participant phenotype was not available at the time of variant classification. Additional details can be found in publication PMID: 35346344, PMCID: PMC8962531

Color Diagnostics, LLC DBA Color Health
Classification: Uncertain significance for Cardiomyopathy. Last evaluated: 2024-04-29. Review status: criteria provided, single submitter. Criteria: ACMG Guidelines, 2015. Collection method: clinical testing. Allele origin: germline.
Comment: This missense variant replaces proline with alanine at codon 460 of the DSP protein. Computational prediction suggests that this variant may not impact protein structure and function (internally defined REVEL score threshold <= 0.5, PMID: 27666373). To our knowledge, functional studies have not been reported for this variant. This variant has not been reported in individuals affected with DSP-related disorders in the literature. This variant has been identified in 1/251250 chromosomes in the general population by the Genome Aggregation Database (gnomAD). The available evidence is insufficient to determine the role of this variant in disease conclusively. Therefore, this variant is classified as a Variant of Uncertain Significance.

Labcorp Genetics (formerly Invitae), Labcorp
Classification: Uncertain significance for Arrhythmogenic cardiomyopathy with wooly hair and keratoderma; Arrhythmogenic right ventricular dysplasia 8. Last evaluated: 2021-08-30. Review status: criteria provided, single submitter. Criteria: Invitae Variant Classification Sherloc (09022015). Collection method: clinical testing. Allele origin: germline.
Comment: This sequence change replaces proline with alanine at codon 460 of the DSP protein (p.Pro460Ala). The proline residue is highly conserved and there is a small physicochemical difference between proline and alanine. This variant is present in population databases (rs749422119, ExAC 0.001%). This variant has not been reported in the literature in individuals affected with DSP-related conditions. Algorithms developed to predict the effect of missense changes on protein structure and function are either unavailable or do not agree on the potential impact of this missense change (SIFT: "Deleterious"; PolyPhen-2: "Probably Damaging"; Align-GVGD: "Class C0"). In summary, the available evidence is currently insufficient to determine the role of this variant in disease. Therefore, it has been classified as a Variant of Uncertain Significance.

NM_004415.4(DSP):c.1378C>G (p.Pro460Ala)

Gene: DSP (desmoplakin; plus strand). Cytogenetic location: 6p24.3.
Variant type: single nucleotide variant.
Coding change: c.1378C>G on transcript NM_004415.4 (MANE Select); coding-DNA position 1378, C replaced by G.
Protein change: p.Pro460Ala; replaces proline 460 with alanine.
Molecular consequence: missense variant.
Genome position (GRCh38, 1-based): chr6:7,568,548, C>G. VCF-style: chr6-7568548-C-G. GRCh37 (hg19) VCF-style: chr6-7568781-C-G.
Other names: c.1378C>G (LRG_423t1); c.1378C>G, p.Pro460Ala (NM_001008844.3, NM_001319034.2); short protein forms P460A.
Identifiers: ClinVar variation 657059 (VCV000657059.12), dbSNP rs749422119, ClinGen allele CA027784.